The following is an entry in ClinVar:

ClinVar aggregate classification (germline): Uncertain significance (1 of 4 stars; one submission).

Submission:

Ambry Genetics
Classification: Uncertain significance. Last evaluated: 2026-08-10. Review status: criteria provided, single submitter. Criteria: Ambry Variant Classification Scheme 2023. Collection method: clinical testing. Allele origin: germline.
Comment: The p.E1362D variant (also known as c.4086G>T), located in coding exon 28 of the MYOM1 gene, results from a G to T substitution at nucleotide position 4086. The glutamic acid at codon 1362 is replaced by aspartic acid, an amino acid with highly similar properties. This amino acid position is conserved. In addition, this alteration is predicted to be tolerated by in silico analysis. Based on the available evidence, the clinical significance of this variant remains unclear.

NM_003803.4(MYOM1):c.4086G>T (p.Glu1362Asp)

Gene: MYOM1 (myomesin 1; minus strand). Cytogenetic location: 18p11.31.
Variant type: single nucleotide variant.
Coding change: c.4086G>T on transcript NM_003803.4 (MANE Select); coding-DNA position 4086, G replaced by T.
Protein change: p.Glu1362Asp; replaces glutamic acid 1362 with aspartic acid.
Molecular consequence: missense variant.
Genome position (GRCh38, 1-based): chr18:3,089,225, C>A on the plus strand (G>T on the coding strand, the complement: MYOM1 is on the minus strand). VCF-style: chr18-3089225-C-A. GRCh37 (hg19) VCF-style: chr18-3089223-C-A.
Other names: c.3798G>T, p.Glu1266Asp (NM_019856.2); short protein forms E1362D, E1266D.
Identifiers: ClinVar variation 5025280 (VCV005025280.1).